The following is an entry in ClinVar:

NM_000059.4(BRCA2):c.97G>A (p.Glu33Lys)

Gene: BRCA2 (BRCA2 DNA repair associated; plus strand). Cytogenetic location: 13q13.1.
Variant type: single nucleotide variant.
Coding change: c.97G>A on transcript NM_000059.4 (MANE Select); coding-DNA position 97, G replaced by A.
Protein change: p.Glu33Lys; replaces glutamic acid 33 with lysine.
Molecular consequence: missense variant.
Genome position (GRCh38, 1-based): chr13:32,319,106, G>A. VCF-style: chr13-32319106-G-A. GRCh37 (hg19) VCF-style: chr13-32893243-G-A.
Other names: short protein forms E33K.
Identifiers: ClinVar variation 964438 (VCV000964438.14), dbSNP rs397508065, ClinGen allele CA387754128.

ClinVar aggregate classification (germline): Uncertain significance. Review status: criteria provided, multiple submitters, no conflicts (2 of 4 stars). 3 submissions from 3 submitters: Uncertain significance (2). 1 of the submissions does not count toward it. Last evaluated 2024-08-08.

Conditions:
Hereditary cancer-predisposing syndrome. Also called: Tumor predisposition; Hereditary neoplastic syndrome; Hereditary Cancer Syndrome; Neoplastic Syndromes, Hereditary. Identifiers: Orphanet 140162, MedGen C0027672, MeSH D009386, MONDO:0015356.
Hereditary breast ovarian cancer syndrome. Also called: BRCA1- and BRCA2-Associated Hereditary Breast and Ovarian Cancer; Hereditary breast and ovarian cancer; Hereditary breast and/or ovarian cancer syndrome; Hereditary breast and ovarian cancer syndrome; Hereditary breast and ovarian cancer syndrome (HBOC); Breast and ovarian cancer. Identifiers: Orphanet 145, MedGen C0677776, MeSH D061325, MONDO:0003582. Disease mechanism: loss of function.

Submissions (3):

Ambry Genetics
Classification: Uncertain significance for Hereditary cancer-predisposing syndrome. Last evaluated: 2024-08-08. Review status: criteria provided, single submitter. Criteria: Ambry Variant Classification Scheme 2023. Collection method: clinical testing. Allele origin: germline.
Comment: The p.E33K variant (also known as c.97G>A), located in coding exon 2 of the BRCA2 gene, results from a G to A substitution at nucleotide position 97. The glutamic acid at codon 33 is replaced by lysine, an amino acid with similar properties. This amino acid position is well conserved in available vertebrate species. In silico splice site analysis for this alteration is inconclusive. RNA studies have demonstrated that this alteration results in an incomplete splice defect; the clinical impact of this abnormal splicing is unknown at this time (Fraile-Bethencourt E et al. J Pathol, 2019 Aug;248:409-420; Ambry internal data). In addition, as a missense alteration, this variant is predicted to be tolerated by in silico analysis. Based on the available evidence, the clinical significance of this variant remains unclear.

Labcorp Genetics (formerly Invitae), Labcorp
Classification: Uncertain significance for Hereditary breast ovarian cancer syndrome. Last evaluated: 2019-11-07. Review status: criteria provided, single submitter. Criteria: Invitae Variant Classification Sherloc (09022015). Collection method: clinical testing. Allele origin: germline.
Comment: In summary, the available evidence is currently insufficient to determine the role of this variant in disease. Therefore, it has been classified as a Variant of Uncertain Significance. Algorithms developed to predict the effect of missense changes on protein structure and function are either unavailable or do not agree on the potential impact of this missense change (SIFT: "Deleterious"; PolyPhen-2: "Possibly Damaging"; Align-GVGD: "Class C0"). This variant has not been reported in the literature in individuals with BRCA2-related conditions. This variant is not present in population databases (ExAC no frequency). This sequence change replaces glutamic acid with lysine at codon 33 of the BRCA2 protein (p.Glu33Lys). The glutamic acid residue is highly conserved and there is a small physicochemical difference between glutamic acid and lysine.

Breast Care Center, Daerim St. Mary`s Hospital
Classification: Uncertain significance for Hereditary Breast Ovarian Cancer Syndrome. Last evaluated: 2023-06-15. Review status: no assertion criteria provided. Collection method: clinical testing. Allele origin: germline. Affected: yes. Observed: 1 heterozygote. Not counted in ClinVar's aggregate classification.

Literature cited by the submitters: PubMed 30883759 (cited by Ambry Genetics).